The following continues an entry in ClinVar:

NM_000535.7(PMS2):c.2108C>T (p.Thr703Met)

Gene: PMS2. ClinVar aggregate classification (germline): Conflicting classifications of pathogenicity. Uncertain significance (12); Benign (1); Likely benign (3).

Submissions 13 to 17 of 17:

Genetic Services Laboratory, University of Chicago
Classification: Uncertain significance. Last evaluated: 2021-12-22. Review status: criteria provided, single submitter. Criteria: ACMG Guidelines, 2015. Collection method: clinical testing. Allele origin: germline. Affected: no.
Comment: This sequence change has been previously described in an individual with history of LS-associated cancer and/or colorectal polyps(PMID: 25980754). This sequence change has been described in the gnomAD database with a frequency of 0.080% in the African subpopulation (dbSNP rs370196722); however, population data in this region of PMS2 is not considered reliable due to high pseudogene homology. The p.Thr703Met change affects a moderately conserved amino acid residue located in a domain of the PMS2 protein that is known to be functional. In-silico pathogenicity prediction tools (SIFT, PolyPhen2, Align GVGD, REVEL) provide contradictory results for the p.Thr703Met substitution. Due to insufficient evidence and the lack of functional studies, the clinical significance of the p.Thr703Met change remains unknown at this time.

Sema4
Classification: Uncertain significance for Hereditary cancer-predisposing syndrome. Last evaluated: 2021-12-14. Review status: criteria provided, single submitter. Criteria: Sema4 Curation Guidelines. Collection method: curation. Allele origin: germline.
Comment: The PMS2 c.2108C>T (p.T703M) variant has been reported in an individual with suspected Lynch syndrome (PMID: 25980754). It was observed in 17/21360 chromosomes of the African/African American subpopulation, with no homozygotes, in the large and broad cohorts of the Genome Aggregation Database (PMID: 32461654). The variant has been reported in ClinVar (Variation ID 127773). Functional studies have not been performed, and in silico predictions of the variant's effect on protein function are inconclusive. The evidence is insufficient to meet ACMG/AMP criteria for classifying the variant as benign or pathogenic. Thus, the clinical significance of this variant is currently uncertain.

Ambry Genetics
Classification: Likely benign for Hereditary cancer-predisposing syndrome. Last evaluated: 2021-10-18. Review status: criteria provided, single submitter. Criteria: Ambry Variant Classification Scheme 2023. Collection method: clinical testing. Allele origin: germline.

GeneKor MSA
Classification: Uncertain significance for Hereditary cancer-predisposing syndrome. Last evaluated: 2018-08-01. Review status: criteria provided, single submitter. Criteria: ACMG Guidelines, 2015. Collection method: clinical testing. Allele origin: germline. Affected: no.

Counsyl
Classification: Uncertain significance for Lynch syndrome 4. Last evaluated: 2017-07-07. Review status: no assertion criteria provided. Collection method: clinical testing. Allele origin: unknown. Not counted in ClinVar's aggregate classification.

Literature cited by the submitters: PubMed 25980754 (cited by 6 submitters); PubMed 31159747 (cited by 5 submitters); PubMed 37534630 (cited by 3 submitters); PubMed 39541563 (cited by Quest Diagnostics Nichols Institute San Juan Capistrano); PubMed 39334433 (cited by Quest Diagnostics Nichols Institute San Juan Capistrano and Women's Health and Genetics/Laboratory Corporation of America, LabCorp); PubMed 38566764 (cited by Women's Health and Genetics/Laboratory Corporation of America, LabCorp); PubMed 22949387 (cited by Counsyl).